The following is an entry in ClinVar:

ClinVar aggregate classification (germline): Conflicting classifications of pathogenicity. Review status: criteria provided, conflicting classifications (1 of 4 stars). 5 submissions from 5 submitters: Uncertain significance (4); Benign (1). Last evaluated 2025-09-25.

Conditions:
Hereditary cancer-predisposing syndrome. Also called: Hereditary Cancer Syndrome; Neoplastic Syndromes, Hereditary; Tumor predisposition; Hereditary neoplastic syndrome. Identifiers: Orphanet 140162, MedGen C0027672, MeSH D009386, MONDO:0015356.
Fanconi anemia complementation group O. Also called: RAD51C-Related Fanconi Anemia. Identifiers: Orphanet 84, MedGen C3150653, MONDO:0013248, OMIM 613390.

Allele frequency attached by ClinVar (database versions not stated): gnomAD exomes 0.00001 and below 0.00001.

Submissions (5):

Ambry Genetics
Classification: Benign for Hereditary cancer-predisposing syndrome. Last evaluated: 2025-09-25. Review status: criteria provided, single submitter. Criteria: Ambry Variant Classification Scheme 2023. Collection method: clinical testing. Allele origin: germline.

Labcorp Genetics (formerly Invitae), Labcorp
Classification: Uncertain significance for Fanconi anemia complementation group O. Last evaluated: 2025-07-23. Review status: criteria provided, single submitter. Criteria: Invitae Variant Classification Sherloc (09022015). Collection method: clinical testing. Allele origin: germline.
Comment: This sequence change replaces threonine, which is neutral and polar, with asparagine, which is neutral and polar, at codon 352 of the RAD51C protein (p.Thr352Asn). This variant is present in population databases (rs786203771, gnomAD 0.009%). This missense change has been observed in individual(s) with breast cancer (PMID: 31206626). ClinVar contains an entry for this variant (Variation ID: 187487). An algorithm developed to predict the effect of missense changes on protein structure and function (PolyPhen-2) suggests that this variant is likely to be tolerated. Algorithms developed to predict the effect of sequence changes on RNA splicing suggest that this variant may disrupt the consensus splice site. In summary, the available evidence is currently insufficient to determine the role of this variant in disease. Therefore, it has been classified as a Variant of Uncertain Significance.

Women's Health and Genetics/Laboratory Corporation of America, LabCorp
Classification: Uncertain significance. Last evaluated: 2024-02-26. Review status: criteria provided, single submitter. Criteria: LabCorp Variant Classification Summary - May 2015. Collection method: clinical testing. Allele origin: germline.
Comment: Variant summary: RAD51C c.1055C>A (p.Thr352Asn) results in a non-conservative amino acid change in the encoded protein sequence. Four of five in-silico tools predict a benign effect of the variant on protein function. The variant allele was found at a frequency of 1.2e-05 in 250398 control chromosomes, predominantly at a frequency of 8.7e-05 within the Latino subpopulation in the gnomAD database. The available data on variant occurrences in the general population are insufficient to allow any conclusion about variant significance. c.1055C>A has been reported in the literature in one unspecified individual affected with familial breast cancer (example, Weitzel_2019). These report(s) do not provide unequivocal conclusions about association of the variant with Hereditary Breast And Ovarian Cancer Syndrome. To our knowledge, no experimental evidence demonstrating an impact on protein function has been reported. The following publication have been ascertained in the context of this evaluation (PMID: 31206626). ClinVar contains an entry for this variant (Variation ID: 187487). Based on the evidence outlined above, the variant was classified as uncertain significance.

Quest Diagnostics Nichols Institute San Juan Capistrano
Classification: Uncertain significance. Last evaluated: 2023-05-31. Review status: criteria provided, single submitter. Criteria: Quest Diagnostics criteria. Collection method: clinical testing. Allele origin: unknown.
Comment: This variant has not been reported in the published literature. The frequency of this variant in the general population, 0.000087 (3/34528 chromosomes (Genome Aggregation Database)), is uninformative in the assessment of its pathogenicity. Analysis of this variant using bioinformatics tools for the prediction of the effect of amino acid changes on protein structure and function yielded predictions that this variant is benign. Based on the available information, we are unable to determine the clinical significance of this variant.

Color Diagnostics, LLC DBA Color Health
Classification: Uncertain significance for Hereditary cancer-predisposing syndrome. Last evaluated: 2018-11-16. Review status: criteria provided, single submitter. Criteria: ACMG Guidelines, 2015. Collection method: clinical testing. Allele origin: germline.

Literature cited by the submitters: PubMed 31206626 (cited by Labcorp Genetics (formerly Invitae), Labcorp and Women's Health and Genetics/Laboratory Corporation of America, LabCorp).

NM_058216.3(RAD51C):c.1055C>A (p.Thr352Asn)

Gene: RAD51C (RAD51 paralog C; plus strand). Cytogenetic location: 17q22.
Variant type: single nucleotide variant.
Coding change: c.1055C>A on transcript NM_058216.3 (MANE Select); coding-DNA position 1055, C replaced by A.
Protein change: p.Thr352Asn; replaces threonine 352 with asparagine.
Molecular consequence: missense variant. On other transcripts: non-coding transcript variant (1).
Genome position (GRCh38, 1-based): chr17:58,734,146, C>A. VCF-style: chr17-58734146-C-A. GRCh37 (hg19) VCF-style: chr17-56811507-C-A.
Other names: short protein forms T352N.
Identifiers: ClinVar variation 187487 (VCV000187487.23), dbSNP rs786203771, ClinGen allele CA197766.